The following is an entry in ClinVar:

ClinVar aggregate classification (germline): Likely pathogenic (1 of 4 stars; one submission).

Conditions:
Progressive microcephaly-seizures-cortical blindness-developmental delay syndrome. Also called: Seizures, cortical blindness, and microcephaly syndrome. Identifiers: Orphanet 477814, MedGen C5567650, MONDO:0014714, OMIM 616632.

Submission:

Broad Center for Mendelian Genomics, Broad Institute of MIT and Harvard
Classification: Likely pathogenic for Progressive microcephaly-seizures-cortical blindness-developmental delay syndrome. Last evaluated: 2018-11-15. Review status: criteria provided, single submitter. Criteria: ACMG Guidelines, 2015. Collection method: research. Allele origin: germline. Inheritance: Autosomal recessive inheritance. Affected: yes.
Comment: This variant was absent from large population studies. This variant is predicted to cause a frameshift, which alters the protein's amino acid sequence beginning at position 27 and leads to a premature termination codon 11 amino acids downstream. This alteration is then predicted to lead to a truncated or absent protein. Loss of function of the DIAPH1 gene is an established disease mechanism in autosomal recessive Seizures, Cortical Blindness, and Microcephaly Syndrome, and this is a loss of function variant. In summary, although additional studies are required to fully establish its clinical significance, this variant is likely pathogenic.

NM_005219.5(DIAPH1):c.77dup (p.Pro27fs)

Gene: DIAPH1 (diaphanous related formin 1; minus strand). Cytogenetic location: 5q31.3.
Variant type: Duplication.
Coding change: c.77dup on transcript NM_005219.5 (MANE Select); coding-DNA position 77, one base duplicated (T; older notation c.77dupT).
Protein change: p.Pro27fs; shifts the reading frame from proline 27.
Molecular consequence: frameshift variant.
Genome position (GRCh38, 1-based): chr5:141,618,838, A duplicated on the plus strand (T on the coding strand, the reverse complement: DIAPH1 is on the minus strand). VCF-style (leftmost placement, unchanged base first): chr5-141618837-C-CA. GRCh37 (hg19) VCF-style: chr5-140998404-C-CA.
Other names: c.77dup, p.Pro27fs (NM_001079812.3, NM_001314007.2); short protein forms P27fs.
Identifiers: ClinVar variation 800526 (VCV000800526.1), dbSNP rs1596421912, ClinGen allele CA658795144.